The following is an entry in ClinVar:

NM_032119.4(ADGRV1):c.3180G>A (p.Thr1060=)

Gene: ADGRV1 (adhesion G protein-coupled receptor V1; plus strand). Cytogenetic location: 5q14.3.
Variant type: single nucleotide variant.
Coding change: c.3180G>A on transcript NM_032119.4 (MANE Select); coding-DNA position 3180, G replaced by A.
Protein change: p.Thr1060=; no amino-acid change (threonine 1060 retained).
Molecular consequence: synonymous variant. On other transcripts: non-coding transcript variant (1).
Genome position (GRCh38, 1-based): chr5:90,647,655, G>A. VCF-style: chr5-90647655-G-A. GRCh37 (hg19) VCF-style: chr5-89943472-G-A.
Identifiers: ClinVar variation 504578 (VCV000504578.17), dbSNP rs201516498, ClinGen allele CA3339117.

ClinVar aggregate classification (germline): Conflicting classifications of pathogenicity. Review status: criteria provided, conflicting classifications (1 of 4 stars). 4 submissions from 4 submitters: Uncertain significance (1); Likely benign (3). Last evaluated 2026-02-04.

Conditions:
Usher syndrome type 2C. Also called: Usher syndrome, type 2B; USHER SYNDROME, TYPE IIC. Identifiers: Orphanet 231178, Orphanet 886, MedGen C2931213, MONDO:0011558, OMIM 605472.

Allele frequency attached by ClinVar (database versions not stated): gnomAD 0.00004; gnomAD exomes 0.00005; ExAC 0.00006; TOPMed 0.00006; ESP Exome Variant Server 0.00008; 1000 Genomes Project 30x 0.00016; 1000 Genomes Project 0.00020.
gnomAD v4.1: 130 of 1,613,888 alleles (0.0081%); highest among the groups gnomAD compares: Non-Finnish European, 0.01%; no homozygotes.

Submissions (4):

Labcorp Genetics (formerly Invitae), Labcorp
Classification: Likely benign. Last evaluated: 2026-02-04. Review status: criteria provided, single submitter. Criteria: Invitae Variant Classification Sherloc (09022015). Collection method: clinical testing. Allele origin: germline.

Blueprint Genetics
Classification: Likely benign. Last evaluated: 2024-11-07. Review status: criteria provided, single submitter. Criteria: ACMG Guidelines, 2015. Collection method: clinical testing. Allele origin: germline.

Illumina Laboratory Services, Illumina
Classification: Uncertain significance for Usher syndrome type 2C. Last evaluated: 2018-01-12. Review status: criteria provided, single submitter. Criteria: ICSL Variant Classification Criteria 13 December 2019. Collection method: clinical testing. Allele origin: germline.

Laboratory for Molecular Medicine, Mass General Brigham Personalized Medicine
Classification: Likely benign. Last evaluated: 2017-05-31. Review status: criteria provided, single submitter. Criteria: LMM Criteria. Collection method: clinical testing. Allele origin: germline. Observed: 3 variant alleles.
Comment: p.Thr1060Thr in exon 17 of GPR98: This variant is not expected to have clinical significance because it does not alter an amino acid residue, is not located wit hin the splice consensus sequence, and has been identified in 10/111506 European chromosomes by the Genome Aggregation Database (gnomAD; dbSNP rs201516498).